The following is an entry in ClinVar:

ClinVar aggregate classification (germline): Uncertain significance (1 of 4 stars; one submission).

Submission:

GeneDx
Classification: Uncertain significance. Last evaluated: 2020-09-01. Review status: criteria provided, single submitter. Criteria: GeneDx Variant Classification Process June 2021. Collection method: clinical testing. Allele origin: germline. Affected: yes.
Comment: Not observed in large population cohorts (Lek 2016); In silico analysis supports a deleterious effect on splicing; Has not been previously published as pathogenic or benign to our knowledge

NM_001042492.3(NF1):c.7321+3A>T

Gene: NF1 (neurofibromin 1; plus strand). Cytogenetic location: 17q11.2.
Variant type: single nucleotide variant.
Coding change: c.7321+3A>T on transcript NM_001042492.3 (MANE Select); 3 bases into the intron after coding-DNA position 7321, A replaced by T.
Molecular consequence: intron variant.
Genome position (GRCh38, 1-based): chr17:31,349,254, A>T. VCF-style: chr17-31349254-A-T. GRCh37 (hg19) VCF-style: chr17-29676272-A-T.
Other names: c.7258+3A>T (NM_000267.4).
Identifiers: ClinVar variation 1321090 (VCV001321090.2), dbSNP rs1597858650, ClinGen allele CA2573054402.